The following is an entry in ClinVar:

NC_000023.10:g.(?_7171217)_(7177833_?)del

Gene: STS (steroid sulfatase; plus strand). Cytogenetic location: Xp22.31.
Variant type: Deletion.
Identifiers: ClinVar variation 2422953 (VCV002422953.4).

ClinVar aggregate classification (germline): Likely pathogenic (1 of 4 stars; one submission).

Submission:

Labcorp Genetics (formerly Invitae), Labcorp
Classification: Likely pathogenic. Last evaluated: 2023-08-07. Review status: criteria provided, single submitter. Criteria: Invitae Variant Classification Sherloc (09022015). Collection method: clinical testing. Allele origin: germline.
Comment: In summary, the currently available evidence indicates that the variant is pathogenic, but additional data are needed to prove that conclusively. Therefore, this variant has been classified as Likely Pathogenic. This variant disrupts a region of the STS protein in which other variant(s) (p.Thr160Ile) have been observed in individuals with STS-related conditions (PMID: 17657246). This suggests that this is a clinically significant region of the protein, and that variants that disrupt it are likely to be disease-causing. A similar copy number variant has been observed in individuals with clinical features of X-linked icthyosis (PMID: 2813406; Invitae). This variant is a gross deletion of the genomic region encompassing exon(s) 2-5 of the STS gene. This variant would be expected to be in-frame, preserving the integrity of the reading frame.

Literature cited by the submitters: PubMed 17657246; PubMed 2813406.